The following is an entry in ClinVar:

NM_001083962.2(TCF4):c.1990G>A (p.Ala664Thr)

Gene: TCF4 (transcription factor 4; minus strand). Cytogenetic location: 18q21.2.
Variant type: single nucleotide variant.
Coding change: c.1990G>A on transcript NM_001083962.2 (MANE Select); coding-DNA position 1990, G replaced by A.
Protein change: p.Ala664Thr; replaces alanine 664 with threonine.
Molecular consequence: missense variant.
Genome position (GRCh38, 1-based): chr18:55,228,251, C>T on the plus strand (G>A on the coding strand, the complement: TCF4 is on the minus strand). VCF-style: chr18-55228251-C-T. GRCh37 (hg19) VCF-style: chr18-52895482-C-T.
Other names: p.A664T:GCA>ACA; NM_001083962.2(TCF4):c.1990G>A; p.Ala664Thr; c.2296G>A, p.Ala766Thr (NM_001243226.3); c.1918G>A, p.Ala640Thr (NM_001243227.2, NM_001348217.1, NM_001348218.2 and 1 more transcripts); c.2008G>A, p.Ala670Thr (NM_001243228.2); c.1969G>A, p.Ala657Thr (NM_001243230.2); c.1852G>A, p.Ala618Thr (NM_001243231.2); and 17 more; short protein forms A664T, A499T, A618T, A636T, A641T, A448T, A589T, A635T.
Identifiers: ClinVar variation 207527 (VCV000207527.9), dbSNP rs755332116, ClinGen allele CA319091.

ClinVar aggregate classification (germline): Benign. Review status: reviewed by expert panel (3 of 4 stars). 3 submissions from 3 submitters: Benign (1). 2 of the submissions do not count toward it. Last evaluated 2024-08-30.

Conditions:
Pitt-Hopkins syndrome (PTHS). Also called: ENCEPHALOPATHY, SEVERE EPILEPTIC, WITH AUTONOMIC DYSFUNCTION; MENTAL RETARDATION, SYNDROMAL, WITH INTERMITTENT HYPERVENTILATION. Identifiers: Orphanet 2896, MedGen C1970431, MONDO:0012589, OMIM 610954.

Allele frequency attached by ClinVar (database versions not stated): gnomAD 0.00003; TOPMed 0.00010.
gnomAD v4.1: 46 of 1,614,028 alleles (0.0029%); highest among the groups gnomAD compares: Non-Finnish European, 0.0029%; no homozygotes.

Submissions (3):

ClinGen Rett and Angelman-like Disorders Variant Curation Expert Panel
Classification: Benign for Pitt-Hopkins syndrome. Last evaluated: 2024-08-30. Review status: reviewed by expert panel. Criteria: ClinGen RettAS ACMG Specifications TCF4 V3.0.0. Collection method: curation. Allele origin: germline. Inheritance: Autosomal dominant inheritance.
Comment: The highest population minor allele frequency of the p.Ala664Thr variant in TCF4 in gnomAD v4.1 is 0.007675 in the Amish population, which is higher than the ClinGen Rett and Angelman-like Disorders VCEP threshold (≥0.0003) for BA1, and therefore meets this criterion (BA1). The p.Ala664Thr variant is observed in at least 2 unaffected individuals (internal database - GeneDx) (BS2). Computational analysis prediction tools suggest that the p.Ala664Thr variant does not have a deleterious impact; however this information does not predict clinical significance on its own (BP4). In summary, the p.Ala664Thr variant in TCF4 is classified as benign based on the ACMG/AMP criteria (BA1, BS2, BP4, BP5). (TCF4 specification v.3; approved on 8/30/2024)

Labcorp Genetics (formerly Invitae), Labcorp
Classification: Uncertain significance for Pitt-Hopkins syndrome. Last evaluated: 2025-10-12. Review status: criteria provided, single submitter. Criteria: Invitae Variant Classification Sherloc (09022015). Collection method: clinical testing. Allele origin: germline. Not counted in ClinVar's aggregate classification.
Comment: This sequence change replaces alanine, which is neutral and non-polar, with threonine, which is neutral and polar, at codon 664 of the TCF4 protein (p.Ala664Thr). This variant is present in population databases (rs755332116, gnomAD 0.002%). This variant has not been reported in the literature in individuals affected with TCF4-related conditions. ClinVar contains an entry for this variant (Variation ID: 207527). Invitae Evidence Modeling of protein sequence and biophysical properties (such as structural, functional, and spatial information, amino acid conservation, physicochemical variation, residue mobility, and thermodynamic stability) indicates that this missense variant is not expected to disrupt TCF4 protein function with a negative predictive value of 95%. In summary, the available evidence is currently insufficient to determine the role of this variant in disease. Therefore, it has been classified as a Variant of Uncertain Significance.

GeneDx
Classification: Likely benign. Last evaluated: 2014-10-09. Review status: criteria provided, single submitter. Criteria: GeneDx Variant Classification (06012015). Collection method: clinical testing. Allele origin: germline. Affected: yes. Not counted in ClinVar's aggregate classification.
Comment: This variant is considered likely benign or benign based on one or more of the following criteria: it is a conservative change, it occurs at a poorly conserved position in the protein, it is predicted to be benign by multiple in silico algorithms, and/or has population frequency not consistent with disease.